The following is an entry in ClinVar:

NM_014921.5(ADGRL1):c.3427C>T (p.Arg1143Ter)

Genes: ADGRL1 (adhesion G protein-coupled receptor L1; minus strand), ADGRL1-AS1 (ADGRL1 antisense RNA 1; plus strand). Cytogenetic location: 19p13.12.
Variant type: single nucleotide variant.
Coding change: c.3427C>T on transcript NM_014921.5 (MANE Select); coding-DNA position 3427, C replaced by T.
Protein change: p.Arg1143Ter; replaces arginine 1143 with a stop codon.
Molecular consequence: nonsense.
Genome position (GRCh38, 1-based): chr19:14,152,610, G>A on the plus strand (C>T on the coding strand, the complement: ADGRL1 is on the minus strand). VCF-style: chr19-14152610-G-A. GRCh37 (hg19) VCF-style: chr19-14263422-G-A.
Other names: c.3442C>T, p.Arg1148Ter (NM_001008701.3); c.3442C>T (NM_001008701.2); short protein forms R1143*, R1148*.
Identifiers: ClinVar variation 2627824 (VCV002627824.2), dbSNP rs2512729194, ClinGen allele CA404389609.

ClinVar aggregate classification (germline): Uncertain significance. Review status: criteria provided, single submitter (1 of 4 stars). 2 submissions from 2 submitters: Uncertain significance (1). 1 of the submissions does not count toward it. Last evaluated 2022-09-14.

Conditions:
ADGRL1-related condition.
Neurodevelopmental disorder. Identifiers: MedGen C1535926, MeSH D065886, MONDO:0700092.

Submissions (2):

Laboratory of Molecular Genetics (Pr. Bezieau's lab), CHU de Nantes
Classification: Uncertain significance for Neurodevelopmental disorder. Last evaluated: 2022-09-14. Review status: criteria provided, single submitter. Criteria: ACMG Guidelines, 2015. Collection method: clinical testing. Allele origin: germline. Affected: yes.

PreventionGenetics, part of Exact Sciences
Classification: Likely pathogenic for ADGRL1-related condition. Last evaluated: 2024-08-17. Review status: no assertion criteria provided. Collection method: clinical testing. Allele origin: germline. Not counted in ClinVar's aggregate classification.
Comment: The ADGRL1 c.3442C>T variant is predicted to result in premature protein termination (p.Arg1148*). To our knowledge, this variant has not been reported in the literature. Nonsense variants in ADGRL1 are expected to be pathogenic. This variant is interpreted as likely pathogenic.